The following is an entry in ClinVar:

NM_015272.5(RPGRIP1L):c.1936C>T (p.Pro646Ser)

Gene: RPGRIP1L (RPGRIP1 like; minus strand). Cytogenetic location: 16q12.2.
Variant type: single nucleotide variant.
Coding change: c.1936C>T on transcript NM_015272.5 (MANE Select); coding-DNA position 1936, C replaced by T.
Protein change: p.Pro646Ser; replaces proline 646 with serine.
Molecular consequence: missense variant.
Genome position (GRCh38, 1-based): chr16:53,652,751, G>A on the plus strand (C>T on the coding strand, the complement: RPGRIP1L is on the minus strand). VCF-style: chr16-53652751-G-A. GRCh37 (hg19) VCF-style: chr16-53686663-G-A.
Other names: c.1936C>T, p.Pro646Ser (NM_001127897.4, NM_001308334.3, NM_001330538.2); short protein forms P646S.
Identifiers: ClinVar variation 857112 (VCV000857112.10), dbSNP rs1442222835, ClinGen allele CA395916996.

ClinVar aggregate classification (germline): Uncertain significance (1 of 4 stars; one submission).

Conditions:
Meckel-Gruber syndrome. Also called: DYSENCEPHALIA SPLANCHNOCYSTICA; GRUBER SYNDROME; Dysencephalia splachnocystica. Identifiers: Orphanet 564, MedGen C0265215, MONDO:0018921.
Joubert syndrome. Also called: CEREBELLOPARENCHYMAL DISORDER IV; JOUBERT-BOLTSHAUSER SYNDROME; Familial aplasia of the vermis. Identifiers: Orphanet 475, MedGen C5979921, MONDO:0018772.

Allele frequency attached by ClinVar (database versions not stated): TOPMed below 0.00001; gnomAD 0.00001.
gnomAD v4.1: 1 of 1,613,808 alleles (0.000062%); highest among the groups gnomAD compares: Non-Finnish European, 0.000085%; no homozygotes.

Submission:

Labcorp Genetics (formerly Invitae), Labcorp
Classification: Uncertain significance for Joubert syndrome; Meckel-Gruber syndrome. Last evaluated: 2022-02-09. Review status: criteria provided, single submitter. Criteria: Invitae Variant Classification Sherloc (09022015). Collection method: clinical testing. Allele origin: germline.
Comment: This variant is not present in population databases (gnomAD no frequency). In summary, the available evidence is currently insufficient to determine the role of this variant in disease. Therefore, it has been classified as a Variant of Uncertain Significance. Algorithms developed to predict the effect of missense changes on protein structure and function (SIFT, PolyPhen-2, Align-GVGD) all suggest that this variant is likely to be disruptive. ClinVar contains an entry for this variant (Variation ID: 857112). This variant has not been reported in the literature in individuals affected with RPGRIP1L-related conditions. This sequence change replaces proline, which is neutral and non-polar, with serine, which is neutral and polar, at codon 646 of the RPGRIP1L protein (p.Pro646Ser).